The following is an entry in ClinVar:

NM_000138.5(FBN1):c.5534del (p.Gly1845fs)

Gene: FBN1 (fibrillin 1; minus strand). Cytogenetic location: 15q21.1.
Variant type: Deletion.
Coding change: c.5534del on transcript NM_000138.5 (MANE Select); coding-DNA position 5534, one base deleted (G; older notation c.5534delG).
Protein change: p.Gly1845fs; shifts the reading frame from glycine 1845.
Molecular consequence: frameshift variant.
Genome position (GRCh38, 1-based): chr15:48,452,573, C deleted on the plus strand (G on the coding strand, the reverse complement: FBN1 is on the minus strand); the first of 2 consecutive C bases (chr15:48,452,573-48,452,574); deleting either gives the same sequence. VCF-style (leftmost placement, unchanged base first): chr15-48452572-TC-T. GRCh37 (hg19) VCF-style: chr15-48744769-TC-T.
Other names: short protein forms G1845fs.
Identifiers: ClinVar variation 1384956 (VCV001384956.6), dbSNP rs2141255875, ClinGen allele CA2573150913.

ClinVar aggregate classification (germline): Pathogenic (1 of 4 stars; one submission).

Conditions:
Marfan syndrome (MFS). Also called: Marfan syndrome type 1; Marfan's syndrome; FBN1-Related Marfan Syndrome; MARFAN SYNDROME, TYPE I; Marfan syndrome, classic. Identifiers: Orphanet 284963, Orphanet 558, MedGen C0024796, MONDO:0007947, OMIM 154700.
Familial thoracic aortic aneurysm and aortic dissection (TAAD). Also called: Thoracic aortic aneurysms and dissections. Identifiers: Orphanet 91387, MedGen C4707243, MONDO:0019625.

Submission:

Labcorp Genetics (formerly Invitae), Labcorp
Classification: Pathogenic for Marfan syndrome; Familial thoracic aortic aneurysm and aortic dissection. Last evaluated: 2021-08-07. Review status: criteria provided, single submitter. Criteria: Invitae Variant Classification Sherloc (09022015). Collection method: clinical testing. Allele origin: germline.
Comment: This variant is not present in population databases (ExAC no frequency). This variant has not been reported in the literature in individuals affected with FBN1-related conditions. Algorithms developed to predict the effect of sequence changes on RNA splicing suggest that this variant may create or strengthen a splice site. For these reasons, this variant has been classified as Pathogenic. This sequence change creates a premature translational stop signal (p.Gly1845Aspfs*48) in the FBN1 gene. It is expected to result in an absent or disrupted protein product. Loss-of-function variants in FBN1 are known to be pathogenic (PMID: 17657824, 19293843).

Literature cited by the submitters: PubMed 17657824; PubMed 19293843.